The following is an entry in ClinVar:

NM_000138.5(FBN1):c.176G>A (p.Cys59Tyr)

Gene: FBN1 (fibrillin 1; minus strand). Cytogenetic location: 15q21.1.
Variant type: single nucleotide variant.
Coding change: c.176G>A on transcript NM_000138.5 (MANE Select); coding-DNA position 176, G replaced by A.
Protein change: p.Cys59Tyr; replaces cysteine 59 with tyrosine.
Molecular consequence: missense variant.
Genome position (GRCh38, 1-based): chr15:48,613,081, C>T on the plus strand (G>A on the coding strand, the complement: FBN1 is on the minus strand). VCF-style: chr15-48613081-C-T. GRCh37 (hg19) VCF-style: chr15-48905278-C-T.
Other names: short protein forms C59Y.
Identifiers: ClinVar variation 626885 (VCV000626885.4), dbSNP rs1555405673, ClinGen allele CA392448510.

ClinVar aggregate classification (germline): Conflicting classifications of pathogenicity. Review status: criteria provided, conflicting classifications (1 of 4 stars). 2 submissions from 2 submitters: Likely pathogenic (1); Uncertain significance (1). Last evaluated 2024-08-19.

Conditions:
Familial thoracic aortic aneurysm and aortic dissection (TAAD). Also called: Thoracic aortic aneurysms and dissections. Identifiers: Orphanet 91387, MedGen C4707243, MONDO:0019625.
Marfan syndrome (MFS). Also called: FBN1-Related Marfan Syndrome; Marfan syndrome type 1; Marfan's syndrome; Marfan syndrome, classic; MARFAN SYNDROME, TYPE I. Identifiers: Orphanet 284963, Orphanet 558, MedGen C0024796, MONDO:0007947, OMIM 154700.

Submissions (2):

Labcorp Genetics (formerly Invitae), Labcorp
Classification: Likely pathogenic for Marfan syndrome; Familial thoracic aortic aneurysm and aortic dissection. Last evaluated: 2024-08-19. Review status: criteria provided, single submitter. Criteria: Invitae Variant Classification Sherloc (09022015). Collection method: clinical testing. Allele origin: germline.
Comment: This sequence change replaces cysteine, which is neutral and slightly polar, with tyrosine, which is neutral and polar, at codon 59 of the FBN1 protein (p.Cys59Tyr). This variant is not present in population databases (gnomAD no frequency). This missense change has been observed in individual(s) with clinical features of FBN1-related conditions (internal data). ClinVar contains an entry for this variant (Variation ID: 626885). Invitae Evidence Modeling of protein sequence and biophysical properties (such as structural, functional, and spatial information, amino acid conservation, physicochemical variation, residue mobility, and thermodynamic stability) indicates that this missense variant is expected to disrupt FBN1 protein function with a positive predictive value of 95%. This variant affects a cysteine residue in the EGF-like, TGFBP or hybrid motif domains of FBN1. Cysteine residues are believed to be involved in intramolecular disulfide bridges and have been shown to be important for FBN1 protein structure (PMID: 16905551, 19349279). In addition, missense substitutions affecting cysteine residues within these domains are significantly overrepresented among patients with Marfan syndrome (PMID: 16571647, 17701892). This variant disrupts the p.Cys59 amino acid residue in FBN1. Other variant(s) that disrupt this residue have been observed in individuals with FBN1-related conditions (PMID: 22216297, 29357934), which suggests that this may be a clinically significant amino acid residue. In summary, the currently available evidence indicates that the variant is pathogenic, but additional data are needed to prove that conclusively. Therefore, this variant has been classified as Likely Pathogenic.

CHEO Genetics Diagnostic Laboratory, Children's Hospital of Eastern Ontario
Classification: Uncertain significance for Familial thoracic aortic aneurysm and aortic dissection. Last evaluated: 2017-07-24. Review status: criteria provided, single submitter. Criteria: ACMG Guidelines, 2015. Collection method: clinical testing. Allele origin: germline. Study: Canadian Open Genetics Repository.

Literature cited by the submitters: PubMed 16905551 (cited by Labcorp Genetics (formerly Invitae), Labcorp); PubMed 19349279 (cited by Labcorp Genetics (formerly Invitae), Labcorp); PubMed 16571647 (cited by Labcorp Genetics (formerly Invitae), Labcorp); PubMed 17701892 (cited by Labcorp Genetics (formerly Invitae), Labcorp); PubMed 22216297 (cited by Labcorp Genetics (formerly Invitae), Labcorp); PubMed 29357934 (cited by Labcorp Genetics (formerly Invitae), Labcorp).